The following is an entry in ClinVar:

ClinVar aggregate classification (germline): Likely benign. Review status: criteria provided, single submitter (1 of 4 stars). 2 submissions from 2 submitters: Likely benign (1). 1 of the submissions does not count toward it. Last evaluated 2025-12-03.

Conditions:
NPC1-related disorder. Also called: NPC1-related condition.
Niemann-Pick disease, type C1. Also called: NEUROVISCERAL STORAGE DISEASE WITH VERTICAL SUPRANUCLEAR OPHTHALMOPLEGIA; NIEMANN-PICK DISEASE WITH CHOLESTEROL ESTERIFICATION BLOCK; NIEMANN-PICK DISEASE WITHOUT SPHINGOMYELINASE DEFICIENCY; NIEMANN-PICK DISEASE, CHRONIC NEURONOPATHIC FORM; NIEMANN-PICK DISEASE, VARIANT TYPE C1. Identifiers: Orphanet 646, MedGen C3179455, MONDO:0009757, OMIM 257220.

Allele frequency attached by ClinVar (database versions not stated): ExAC 0.00001; gnomAD exomes 0.00001 and 0.00002; gnomAD 0.00003; TOPMed 0.00008.
gnomAD v4.1: 22 of 1,518,078 alleles (0.0014%); highest among the groups gnomAD compares: Admixed American, 0.018%; no homozygotes.

Submissions (2):

Labcorp Genetics (formerly Invitae), Labcorp
Classification: Likely benign for Niemann-Pick disease, type C1. Last evaluated: 2025-12-03. Review status: criteria provided, single submitter. Criteria: Invitae Variant Classification Sherloc (09022015). Collection method: clinical testing. Allele origin: germline.

PreventionGenetics, part of Exact Sciences
Classification: Likely benign for NPC1-related condition. Last evaluated: 2022-12-07. Review status: no assertion criteria provided. Collection method: clinical testing. Allele origin: germline. Not counted in ClinVar's aggregate classification.
Comment: This variant is classified as likely benign based on ACMG/AMP sequence variant interpretation guidelines (Richards et al. 2015 PMID: 25741868, with internal and published modifications).

NM_000271.5(NPC1):c.1938C>T (p.Arg646=)

Gene: NPC1 (NPC intracellular cholesterol transporter 1; minus strand). Cytogenetic location: 18q11.2.
Variant type: single nucleotide variant.
Coding change: c.1938C>T on transcript NM_000271.5 (MANE Select); coding-DNA position 1938, C replaced by T.
Protein change: p.Arg646=; no amino-acid change (arginine 646 retained).
Molecular consequence: synonymous variant.
Genome position (GRCh38, 1-based): chr18:23,544,969, G>A on the plus strand (C>T on the coding strand, the complement: NPC1 is on the minus strand). VCF-style: chr18-23544969-G-A. GRCh37 (hg19) VCF-style: chr18-21124933-G-A.
Other names: c.1938C>T (NM_000271.4).
Identifiers: ClinVar variation 1142969 (VCV001142969.11), dbSNP rs767794928, ClinGen allele CA8913342.